The following is an entry in ClinVar:

ClinVar aggregate classification (germline): Uncertain significance (1 of 4 stars; one submission).

gnomAD v4.1: 2 of 1,613,850 alleles (0.00012%); highest among the groups gnomAD compares: Non-Finnish European, 0.00017%; no homozygotes.

Submission:

CeGaT Center for Human Genetics Tuebingen
Classification: Uncertain significance. Last evaluated: 2026-02-01. Review status: criteria provided, single submitter. Criteria: CeGaT Center For Human Genetics Tuebingen Variant Classification Criteria Version 2. Collection method: clinical testing. Allele origin: germline. Affected: yes. Observed: 1 variant allele.
Comment: GDAP1: PM2

NM_018972.4(GDAP1):c.283G>C (p.Asp95His)

Gene: GDAP1 (ganglioside induced differentiation associated protein 1; plus strand). Cytogenetic location: 8q21.11.
Variant type: single nucleotide variant.
Coding change: c.283G>C on transcript NM_018972.4 (MANE Select); coding-DNA position 283, G replaced by C.
Protein change: p.Asp95His; replaces aspartic acid 95 with histidine.
Molecular consequence: missense variant. On other transcripts: intron variant (2).
Genome position (GRCh38, 1-based): chr8:74,351,439, G>C. VCF-style: chr8-74351439-G-C. GRCh37 (hg19) VCF-style: chr8-75263674-G-C.
Other names: c.79G>C, p.Asp27His (NM_001040875.4); c.283G>C, p.Asp95His (NM_001362930.2, NM_001362931.2); c.-18+118G>C (NM_001362929.2); c.-18+861G>C (NM_001362932.2); short protein forms D27H, D95H.
Identifiers: ClinVar variation 4822785 (VCV004822785.4).